The following is an entry in ClinVar:

NM_000844.4(GRM7):c.1515+11768GA[29]

Gene: GRM7 (glutamate metabotropic receptor 7; plus strand). Cytogenetic location: 3p26.1.
Variant type: Microsatellite.
Coding change: c.1515+11768GA[29] on transcript NM_000844.4 (MANE Select); 29 copies in a row of the 2-base unit GA starting at c.1515+11768; the reference has 21 copies in a row; eight copies, 16 bases duplicated.
Molecular consequence: intron variant.
Genome position (GRCh38, 1-based): chr3:7,473,516-7,473,531, GAGAGAGAGAGAGAGA duplicated; duplicating any 16 consecutive bases within chr3:7,473,490-7,473,531 gives the same sequence; the position shown is the placement nearest the transcript's 3' end. VCF-style (leftmost placement, unchanged base first): chr3-7473489-G-GGAGAGAGAGAGAGAGA. GRCh37 (hg19) VCF-style: chr3-7515176-G-GGAGAGAGAGAGAGAGA.
Other names: c.1515+11768GA[29] (NM_181874.3).
Identifiers: ClinVar variation 4874105 (VCV004874105.2).
Genomic context (GRCh38, chr3:7,473,489, plus strand): 5'-CTGCACTGCTGCACTCCAACCTACGCAACAGAGCAAGACTCTGTCTCTTAAAAACGAGAG[G>GGAGAGAGAGAGAGAGA]GAGAGAGAGAGAGAGAGAGAGAGAGAGAGAGAGAGAGAGAGAAACACCTTGACAGAGTTT-3'

ClinVar aggregate classification (germline): Likely benign (1 of 4 stars; one submission).

Submission:

CeGaT Center for Human Genetics Tuebingen
Classification: Likely benign. Last evaluated: 2026-04-01. Review status: criteria provided, single submitter. Criteria: CeGaT Center For Human Genetics Tuebingen Variant Classification Criteria Version 2. Collection method: clinical testing. Allele origin: germline. Affected: yes. Observed: 1 variant allele.
Comment: GRM7: BS2